The following is an entry in ClinVar:

ClinVar aggregate classification (germline): Uncertain significance. Review status: criteria provided, multiple submitters, no conflicts (2 of 4 stars). 2 submissions from 2 submitters: Uncertain significance (2). Last evaluated 2025-12-08.

Conditions:
Dystonic disorder. Also called: Dystonia. Identifiers: MedGen C0013421, MONDO:0003441, HP:0001332.

Allele frequency attached by ClinVar (database versions not stated): gnomAD exomes below 0.00001; TOPMed 0.00001.

Submissions (2):

Ambry Genetics
Classification: Uncertain significance. Last evaluated: 2025-12-08. Review status: criteria provided, single submitter. Criteria: Ambry Variant Classification Scheme 2023. Collection method: clinical testing. Allele origin: germline.

Labcorp Genetics (formerly Invitae), Labcorp
Classification: Uncertain significance for Dystonic disorder. Last evaluated: 2024-01-28. Review status: criteria provided, single submitter. Criteria: Invitae Variant Classification Sherloc (09022015). Collection method: clinical testing. Allele origin: germline.
Comment: This sequence change replaces proline, which is neutral and non-polar, with serine, which is neutral and polar, at codon 570 of the CIZ1 protein (p.Pro570Ser). The frequency data for this variant in the population databases is considered unreliable, as metrics indicate poor data quality at this position in the gnomAD database. This variant has not been reported in the literature in individuals affected with CIZ1-related conditions. Algorithms developed to predict the effect of missense changes on protein structure and function output the following: SIFT: "Not Available"; PolyPhen-2: "Benign"; Align-GVGD: "Not Available". The serine amino acid residue is found in multiple mammalian species, which suggests that this missense change does not adversely affect protein function. Algorithms developed to predict the effect of sequence changes on RNA splicing suggest that this variant may create or strengthen a splice site. In summary, the available evidence is currently insufficient to determine the role of this variant in disease. Therefore, it has been classified as a Variant of Uncertain Significance.

NM_001131016.2(CIZ1):c.1708C>T (p.Pro570Ser)

Gene: CIZ1 (CDKN1A interacting zinc finger protein 1; minus strand). Cytogenetic location: 9q34.11.
Variant type: single nucleotide variant.
Coding change: c.1708C>T on transcript NM_001131016.2 (MANE Select); coding-DNA position 1708, C replaced by T.
Protein change: p.Pro570Ser; replaces proline 570 with serine.
Molecular consequence: missense variant.
Genome position (GRCh38, 1-based): chr9:128,177,676, G>A on the plus strand (C>T on the coding strand, the complement: CIZ1 is on the minus strand). VCF-style: chr9-128177676-G-A. GRCh37 (hg19) VCF-style: chr9-130939955-G-A.
Other names: c.1540C>T, p.Pro514Ser (NM_001131015.2); c.1525C>T, p.Pro509Ser (NM_001131017.2); c.1468C>T, p.Pro490Ser (NM_001131018.2); c.1798C>T, p.Pro600Ser (NM_001257975.2); c.1405C>T, p.Pro469Ser (NM_001257976.2); c.1708C>T, p.Pro570Ser (NM_012127.3); c.1708C>T (NM_012127.2); short protein forms P509S, P570S, P514S, P600S, P469S, P490S.
Identifiers: ClinVar variation 2884281 (VCV002884281.4), dbSNP rs1442048760, ClinGen allele CA375023906.